The following is an entry in ClinVar:

ClinVar aggregate classification (germline): Uncertain significance (1 of 4 stars; one submission).

Conditions:
Ataxia-telangiectasia syndrome (AT). Also called: Ataxia-telangiectasia, complementation group D; AT, COMPLEMENTATION GROUP C; Ataxia-telangiectasia; Ataxia telangiectasia (A-T); LOUIS-BAR SYNDROME; Cerebello-oculocutaneous telangiectasia. Identifiers: Orphanet 100, MedGen C0004135, MONDO:0008840, OMIM 208900.

Submission:

Labcorp Genetics (formerly Invitae), Labcorp
Classification: Uncertain significance for Ataxia-telangiectasia syndrome. Last evaluated: 2026-01-26. Review status: criteria provided, single submitter. Criteria: Invitae Variant Classification Sherloc (09022015). Collection method: clinical testing. Allele origin: germline.
Comment: This sequence change replaces isoleucine, which is neutral and non-polar, with methionine, which is neutral and non-polar, at codon 1469 of the ATM protein (p.Ile1469Met). This variant is not present in population databases (gnomAD no frequency). This variant has not been reported in the literature in individuals affected with ATM-related conditions. Invitae Evidence Modeling of protein sequence and biophysical properties (such as structural, functional, and spatial information, amino acid conservation, physicochemical variation, residue mobility, and thermodynamic stability) indicates that this missense variant is not expected to disrupt ATM protein function with a negative predictive value of 95%. In summary, the available evidence is currently insufficient to determine the role of this variant in disease. Therefore, it has been classified as a Variant of Uncertain Significance.

NM_000051.4(ATM):c.4407T>G (p.Ile1469Met)

Gene: ATM (ATM serine/threonine kinase; plus strand). Cytogenetic location: 11q22.3.
Variant type: single nucleotide variant.
Coding change: c.4407T>G on transcript NM_000051.4 (MANE Select); coding-DNA position 4407, T replaced by G.
Protein change: p.Ile1469Met; replaces isoleucine 1469 with methionine.
Molecular consequence: missense variant.
Genome position (GRCh38, 1-based): chr11:108,289,772, T>G. VCF-style: chr11-108289772-T-G. GRCh37 (hg19) VCF-style: chr11-108160499-T-G.
Other names: c.4407T>G, p.Ile1469Met (NM_001351834.2); short protein forms I1469M.
Identifiers: ClinVar variation 4747215 (VCV004747215.1).